The following is an entry in ClinVar:

NM_014855.3(AP5Z1):c.1595G>T (p.Arg532Met)

Gene: AP5Z1 (adaptor related protein complex 5 subunit zeta 1; plus strand). Cytogenetic location: 7p22.1.
Variant type: single nucleotide variant.
Coding change: c.1595G>T on transcript NM_014855.3 (MANE Select); coding-DNA position 1595, G replaced by T.
Protein change: p.Arg532Met; replaces arginine 532 with methionine.
Molecular consequence: missense variant. On other transcripts: non-coding transcript variant (1).
Genome position (GRCh38, 1-based): chr7:4,788,294, G>T. VCF-style: chr7-4788294-G-T. GRCh37 (hg19) VCF-style: chr7-4827925-G-T.
Other names: NC_000007.13:g.4827925G>T; NP_055670.1:p.Ser486_Arg532del; c.1127G>T, p.Arg376Met (NM_001364858.1); short protein forms R376M, R532M.
Identifiers: ClinVar variation 3777717 (VCV003777717.1).

ClinVar aggregate classification (germline): Likely pathogenic (1 of 4 stars; one submission).

Conditions:
Macular dystrophy with or without extraocular features.

gnomAD v4.1: 45 of 1,586,780 alleles (0.0028%); highest among the groups gnomAD compares: Non-Finnish European, 0.0037%; no homozygotes.

Submission:

Ophthalmic Genetics Group, Institute of Molecular and Clinical Ophthalmology Basel
Classification: Likely pathogenic for Macular dystrophy with or without extraocular features. Last evaluated: 2024-12-17. Review status: criteria provided, single submitter. Criteria: ACMG Guidelines, 2015. Collection method: research. Allele origin: germline. Affected: yes. Observed: 4 variant alleles.
Comment: This change of the last base of exon 12 of AP5Z1 was predicted by in silico tools to disrupt pre-mRNA splicing. Analysis of blood-derived RNA from the affected individual carrying this variant showed that it leads to the skipping of full exon 12 of AP5Z1, causing an in-frame deletion of 47 conserved amino acid residues, r.1455_1593del, p.(Ser486_Arg532del). This aberrant isoform was absent from controls. Additionally, this variant has a low population frequency (based on gnomAD v2.1.1). Therefore, it was classified as Likely pathogenic based on ACMG criteria: PM2_mod, PM3_mod, PM4_mod.

Literature cited by the submitters: PubMed 40081374.